The following is an entry in ClinVar:

NM_005045.4(RELN):c.9006A>G (p.Arg3002=)

Genes: SLC26A5-AS1 (SLC26A5 antisense RNA 1; plus strand), RELN (reelin; minus strand). Cytogenetic location: 7q22.1.
Variant type: single nucleotide variant.
Coding change: c.9006A>G on transcript NM_005045.4 (MANE Select); coding-DNA position 9006, A replaced by G.
Protein change: p.Arg3002=; no amino-acid change (arginine 3002 retained).
Molecular consequence: synonymous variant.
Genome position (GRCh38, 1-based): chr7:103,496,713, T>C on the plus strand (A>G on the coding strand, the complement: RELN is on the minus strand). VCF-style: chr7-103496713-T-C. GRCh37 (hg19) VCF-style: chr7-103137160-T-C.
Other names: c.9006A>G, p.Arg3002= (NM_173054.3).
Identifiers: ClinVar variation 4791109 (VCV004791109.1).
Genomic context (GRCh38, chr7:103,496,713, plus strand): 5'-CCACCAGCGAAGTCGAGTTGTGTTGGTGAGGGCATCTTCAGGAAGAAGTATGTAGTCGTG[T>C]CTAACAGAAATGTATTTCTGGTAATCCATCTCATGGAGCAAAGTCCAGGTAATTCCTATA-3'
Protein context (NP_005036.2, residues 2992-3012): EMDYQKYISV[Arg3002=]HDYILLPEDA

ClinVar aggregate classification (germline): Uncertain significance (1 of 4 stars; one submission).

Conditions:
Norman-Roberts syndrome (LIS2). Also called: Lissencephaly 2 (Norman-Roberts type). Identifiers: Orphanet 89844, MedGen C0796089, MONDO:0009760, OMIM 257320.
Familial temporal lobe epilepsy 7. Identifiers: Orphanet 101046, MedGen C4225327, MONDO:0014639, OMIM 616436.

gnomAD v4.1: 44 of 1,613,982 alleles (0.0027%); highest among the groups gnomAD compares: Non-Finnish European, 0.0036%; no homozygotes.

Submission:

Labcorp Genetics (formerly Invitae), Labcorp
Classification: Uncertain significance for Familial temporal lobe epilepsy 7; Norman-Roberts syndrome. Last evaluated: 2026-01-11. Review status: criteria provided, single submitter. Criteria: Invitae Variant Classification Sherloc (09022015). Collection method: clinical testing. Allele origin: germline.
Comment: This sequence change affects codon 3002 of the RELN mRNA. It is a 'silent' change, meaning that it does not change the encoded amino acid sequence of the RELN protein. This variant is not present in population databases (gnomAD no frequency). This variant has not been reported in the literature in individuals affected with RELN-related conditions. Algorithms developed to predict the effect of sequence changes on RNA splicing suggest that this variant may create or strengthen a splice site. In summary, the available evidence is currently insufficient to determine the role of this variant in disease. Therefore, it has been classified as a Variant of Uncertain Significance.